The following is an entry in ClinVar:

ClinVar aggregate classification (germline): Conflicting classifications of pathogenicity. Review status: criteria provided, conflicting classifications (1 of 4 stars). 10 submissions from 10 submitters: Uncertain significance (5); Likely benign (3). 2 of the submissions do not count toward it. Last evaluated 2025-11-13.

Conditions:
RAD50-related disorder. Also called: RAD50-related condition.
Hereditary cancer-predisposing syndrome. Also called: Hereditary neoplastic syndrome; Neoplastic Syndromes, Hereditary; Hereditary Cancer Syndrome; Tumor predisposition. Identifiers: Orphanet 140162, MedGen C0027672, MeSH D009386, MONDO:0015356.
Hereditary breast ovarian cancer syndrome. Also called: Hereditary breast and/or ovarian cancer syndrome; Hereditary breast and ovarian cancer syndrome; Breast and ovarian cancer; BRCA1- and BRCA2-Associated Hereditary Breast and Ovarian Cancer; Hereditary breast and ovarian cancer; Hereditary breast and ovarian cancer syndrome (HBOC). Identifiers: Orphanet 145, MedGen C0677776, MeSH D061325, MONDO:0003582. Disease mechanism: loss of function.
Nijmegen breakage syndrome-like disorder (NBSLD). Also called: MICROCEPHALY AND SPONTANEOUS CHROMOSOME INSTABILITY WITHOUT IMMUNODEFICIENCY; NBS-LIKE DISORDER; RAD50 DEFICIENCY. Identifiers: Orphanet 240760, MedGen C2751318, MONDO:0013118, OMIM 613078.

Allele frequency attached by ClinVar (database versions not stated): gnomAD 0.00009 and 0.00014; gnomAD exomes 0.00009 and 0.00022; TOPMed 0.00013; ExAC 0.00017; 1000 Genomes Project 30x 0.00031; 1000 Genomes Project 0.00040.
gnomAD v4.1: 172 of 1,614,004 alleles (0.011%); highest among the groups gnomAD compares: East Asian, 0.21%; no homozygotes.

Submissions (10):

Labcorp Genetics (formerly Invitae), Labcorp
Classification: Likely benign for Hereditary cancer-predisposing syndrome. Last evaluated: 2025-11-13. Review status: criteria provided, single submitter. Criteria: Invitae Variant Classification Sherloc (09022015). Collection method: clinical testing. Allele origin: germline.

Women's Health and Genetics/Laboratory Corporation of America, LabCorp
Classification: Uncertain significance. Last evaluated: 2025-07-11. Review status: criteria provided, single submitter. Criteria: LabCorp Variant Classification Summary - May 2015. Collection method: clinical testing. Allele origin: germline.
Comment: Variant summary: RAD50 c.1211A>G (p.Gln404Arg) results in a conservative amino acid change in the encoded protein sequence. Algorithms developed to predict the effect of missense changes on protein structure and function are either unavailable or do not agree on the potential impact of this missense change. The variant allele was found at a frequency of 0.00022 in 251038 control chromosomes. This frequency is not significantly higher than estimated for a pathogenic variant in RAD50 causing Nijmegen Breakage Syndrome-Like Disorder (0.00022 vs 0.0024), allowing no conclusion about variant significance. c.1211A>G has been observed in the heterozygous state in individual(s) affected with gastric cancer, endometrial cancer, breast cancer or prostate cancer (e.g. ZHang_2021, Kim_2022, Dong_2021, Want_2019, Gervas_2023, deOliverira_2022, So_2022). These report(s) do not provide unequivocal conclusions about association of the variant with Nijmegen Breakage Syndrome-Like Disorder. To our knowledge, no experimental evidence demonstrating an impact on protein function has been reported. The following publications have been ascertained in the context of this evaluation (PMID: 34570441, 36577833, 35884469, 35534218, 30982232, 34567566, 35534704). ClinVar contains an entry for this variant (Variation ID: 127992). Based on the evidence outlined above, the variant was classified as uncertain significance.

Quest Diagnostics Nichols Institute San Juan Capistrano
Classification: Likely benign. Last evaluated: 2022-11-01. Review status: criteria provided, single submitter. Criteria: Quest Diagnostics criteria. Collection method: clinical testing. Allele origin: unknown.

Sema4
Classification: Uncertain significance for Nijmegen breakage syndrome-like disorder. Last evaluated: 2021-07-14. Review status: criteria provided, single submitter. Criteria: Sema4 Curation Guidelines. Collection method: curation. Allele origin: germline.
Comment: The RAD50 c.1211A>G (p.Q404R) variant has been reported in individuals with glioblastoma multiforme, familial colorectal cancer, ovarian cancer, breast cancer, and in a case with an unspecified advanced cancer (PMID: 26689913, 32984025, 32019284, 28873162, 33471991). It was also identified in several healthy controls (PMID: 33471991). This variant was observed in 32/19946 chromosomes in the East Asian population, with no homozygotes, in the large and broad cohorts of the Genome Aggregation Database (PMID: 32461654). The variant has been reported in ClinVar (Variation ID 127992). Functional studies have not been performed and in silico tool predictions of the variants effect on protein function are inconclusive. The evidence is insufficient to meet ACMG/AMP criteria for classifying the variant as benign or pathogenic. Thus, the clinical significance of this variant is currently uncertain.

Genetic Services Laboratory, University of Chicago
Classification: Uncertain significance. Last evaluated: 2020-01-10. Review status: criteria provided, single submitter. Criteria: ACMG Guidelines, 2015. Collection method: clinical testing. Allele origin: germline. Affected: no.
Comment: DNA sequence analysis of the RAD50 gene demonstrated a sequence change, c.1211A>G, in exon 8 that results in an amino acid change, p.Gln404Arg. This sequence change does not appear to have been previously described in patients with RAD50-related disorders and has been described in the gnomAD database with a low population frequency of 0.16% in East Asian subpopulation (dbSNP rs200017020). The p.Gln404Arg change affects a moderately conserved amino acid residue located in a domain of the RAD50 protein that is known to be functional. The p.Gln404Arg substitution appears to be benign using several in-silico pathogenicity prediction tools (SIFT, PolyPhen2, Align GVGD, REVEL).Due to these contrasting evidences and the lack of functional studies, the clinical significance of the p.Gln404Arg change remains unknown at this time.

Cancer Genomics Group, Japanese Foundation For Cancer Research
Classification: Uncertain significance for Hereditary breast and ovarian cancer syndrome. Last evaluated: 2019-05-01. Review status: criteria provided, single submitter. Criteria: ACMG Guidelines, 2015. Collection method: research. Allele origin: germline. Affected: yes.

Ambry Genetics
Classification: Likely benign for Hereditary cancer-predisposing syndrome. Last evaluated: 2019-02-16. Review status: criteria provided, single submitter. Criteria: Ambry Variant Classification Scheme 2023. Collection method: clinical testing. Allele origin: germline.

GeneDx
Classification: Uncertain significance. Last evaluated: 2014-01-20. Review status: criteria provided, single submitter. Criteria: GeneDx Variant Classification (06012015). Collection method: clinical testing. Allele origin: germline. Affected: yes.
Comment: RAD50 has been only recently described in association with cancer predisposition and the risks are not well understood. This variant is denoted RAD50 c.1211A>G at the cDNA level, p.Gln404Arg (Q404R) at the protein level, and results in the change of a Glutamine to an Arginine (CAA>CGA). This variant has not, to our knowledge, been published in the literature as pathogenic or benign. RAD50 Gln404Arg was not observed at a significant allele frequency in 1000 Genomes, and was not observed in approximately 6,500 individuals of European and African American ancestry in the NHLBI Exome Sequencing Project, indicating it is not a common benign variant in these populations. This variant is a semi-conservative substitution in which a neutral polar amino acid is replaced with a positive polar one, altering a position that is moderately conserved throughout evolution and is located within a potential coiled coil region (UniProt). In silico analyses predict this variant to have a benign effect on protein structure and function. On a molecular level, the impact of this missense variant on protein structure and function is not known and thus we consider this to be a variant of uncertain significance. Furthermore, based on the currently available information, cancer risks associated with this variant, and the RAD50 gene, remain unclear.

PreventionGenetics, part of Exact Sciences
Classification: Likely benign for RAD50-related condition. Last evaluated: 2021-04-19. Review status: no assertion criteria provided. Collection method: clinical testing. Allele origin: germline. Not counted in ClinVar's aggregate classification.
Comment: This variant is classified as likely benign based on ACMG/AMP sequence variant interpretation guidelines (Richards et al. 2015 PMID: 25741868, with internal and published modifications).

Counsyl
Classification: Uncertain significance for Nijmegen breakage syndrome-like disorder. Last evaluated: 2016-08-01. Review status: no assertion criteria provided. Collection method: clinical testing. Allele origin: unknown. Not counted in ClinVar's aggregate classification.

Literature cited by the submitters: PubMed 30982232 (cited by Women's Health and Genetics/Laboratory Corporation of America, LabCorp); PubMed 34567566 (cited by Women's Health and Genetics/Laboratory Corporation of America, LabCorp); PubMed 35534218 (cited by Women's Health and Genetics/Laboratory Corporation of America, LabCorp); PubMed 35884469 (cited by Women's Health and Genetics/Laboratory Corporation of America, LabCorp); PubMed 34570441 (cited by Women's Health and Genetics/Laboratory Corporation of America, LabCorp); PubMed 35534704 (cited by Women's Health and Genetics/Laboratory Corporation of America, LabCorp); PubMed 36577833 (cited by Women's Health and Genetics/Laboratory Corporation of America, LabCorp); PubMed 33471991 (cited by Quest Diagnostics Nichols Institute San Juan Capistrano and Sema4); PubMed 32984025 (cited by Quest Diagnostics Nichols Institute San Juan Capistrano and Sema4); PubMed 32019284 (cited by Quest Diagnostics Nichols Institute San Juan Capistrano and Sema4); PubMed 28873162 (cited by Quest Diagnostics Nichols Institute San Juan Capistrano and Sema4); PubMed 26689913 (cited by 3 submitters); PubMed 23555315 (cited by Counsyl).

NM_005732.4(RAD50):c.1211A>G (p.Gln404Arg)

Gene: RAD50 (RAD50 double strand break repair protein; plus strand). Cytogenetic location: 5q31.1.
Variant type: single nucleotide variant.
Coding change: c.1211A>G on transcript NM_005732.4 (MANE Select); coding-DNA position 1211, A replaced by G.
Protein change: p.Gln404Arg; replaces glutamine 404 with arginine.
Molecular consequence: missense variant.
Genome position (GRCh38, 1-based): chr5:132,588,846, A>G. VCF-style: chr5-132588846-A-G. GRCh37 (hg19) VCF-style: chr5-131924538-A-G.
Other names: p.Q404R:CAA>CGA; short protein forms Q404R.
Identifiers: ClinVar variation 127992 (VCV000127992.27), dbSNP rs200017020, ClinGen allele CA331857.
Genomic context (GRCh38, chr5:132,588,846, plus strand): 5'-AGCGTGGACCATTCAGTGAAAGACAGATTAAAAATTTTCACAAACTTGTGAGAGAGAGAC[A>G]AGAAGGGGAAGCAAAAACTGCCAACCAACTGATGGCAAGTATTTTGAAATACAGTATTTG-3'
Protein context (NP_005723.2, residues 394-414): KNFHKLVRER[Gln404Arg]EGEAKTANQL